The following is an entry in ClinVar:

ClinVar aggregate classification (germline): Benign. Review status: criteria provided, multiple submitters, no conflicts (2 of 4 stars). 12 submissions from 12 submitters: Benign (9). 3 of the submissions do not count toward it. Last evaluated 2026-02-04.

Conditions:
Familial isolated deficiency of vitamin E (AVED). Also called: Ataxia with isolated vitamin E deficiency; ATAXIA, FRIEDREICH-LIKE, WITH SELECTIVE VITAMIN E DEFICIENCY. Identifiers: Orphanet 96, MedGen C1848533, MONDO:0010188, OMIM 277460.

Submissions (12):

Labcorp Genetics (formerly Invitae), Labcorp
Classification: Benign. Last evaluated: 2026-02-04. Review status: criteria provided, single submitter. Criteria: Invitae Variant Classification Sherloc (09022015). Collection method: clinical testing. Allele origin: germline.

Blueprint Genetics
Classification: Benign. Last evaluated: 2024-11-27. Review status: criteria provided, single submitter. Criteria: ACMG Guidelines, 2015. Collection method: clinical testing. Allele origin: germline.

Genome-Nilou Lab
Classification: Benign for Familial isolated deficiency of vitamin E. Last evaluated: 2021-12-05. Review status: criteria provided, single submitter. Criteria: ACMG Guidelines, 2015. Collection method: clinical testing. Allele origin: germline. Affected: yes.

Mayo Clinic Laboratories, Mayo Clinic
Classification: Benign. Last evaluated: 2021-07-26. Review status: criteria provided, single submitter. Criteria: ACMG Guidelines, 2015. Collection method: clinical testing. Allele origin: germline. Observed: 1,726 variant alleles.

Athena Diagnostics
Classification: Benign. Last evaluated: 2019-10-17. Review status: criteria provided, single submitter. Criteria: Athena Diagnostics Criteria. Collection method: clinical testing. Allele origin: unknown.

GeneDx
Classification: Benign. Last evaluated: 2019-09-25. Review status: criteria provided, single submitter. Criteria: GeneDx Variant Classification Process June 2021. Collection method: clinical testing. Allele origin: germline. Affected: yes.

Mendelics
Classification: Benign for Familial isolated deficiency of vitamin E. Last evaluated: 2019-05-28. Review status: criteria provided, single submitter. Criteria: Mendelics Assertion Criteria 2017. Collection method: clinical testing. Allele origin: unknown.

Women's Health and Genetics/Laboratory Corporation of America, LabCorp
Classification: Benign. Last evaluated: 2016-12-18. Review status: criteria provided, single submitter. Criteria: LabCorp Variant Classification Summary - May 2015. Collection method: clinical testing. Allele origin: germline.
Comment: Variant summary: The TTPA c.359-3delA variant involves the alteration of a non-conserved intronic nucleotide. Mutation Taster predicts a benign outcome for this variant. 3/5 splice prediction tools via Alamut suggest no significant impact on a normal splicing pattern. The functional studies confirming these predictions are yet to be conducted. This variant is present in EXAC at a frequency of 1% (119075 / 119076 control chrs). The variant of interest has been classified as benign by reputable databases/clinical diagnostic laboratories. Taken together, based on the frequency in the general population, the variant was classified as Benign.

Eurofins Ntd Llc (ga)
Classification: Benign. Last evaluated: 2013-08-01. Review status: criteria provided, single submitter. Criteria: EGL Classification Definitions 2015. Collection method: clinical testing. Allele origin: germline. Observed: 17 variant alleles, 17 homozygotes.

Natera, Inc.
Classification: Benign for Ataxia with isolated vitamin E deficiency. Last evaluated: 2020-09-16. Review status: no assertion criteria provided. Collection method: clinical testing. Allele origin: germline. Not counted in ClinVar's aggregate classification.

Clinical Genetics DNA and cytogenetics Diagnostics Lab, Erasmus MC, Erasmus Medical Center
Classification: Benign. Review status: no assertion criteria provided. Collection method: clinical testing. Allele origin: germline. Affected: yes. Study: VKGL Data-share Consensus. Not counted in ClinVar's aggregate classification.

Diagnostic Laboratory, Department of Genetics, University Medical Center Groningen
Classification: Benign. Review status: no assertion criteria provided. Collection method: clinical testing. Allele origin: germline. Affected: yes. Study: VKGL Data-share Consensus. Not counted in ClinVar's aggregate classification.

NM_000370.3(TTPA):c.359-3del

Gene: TTPA (alpha tocopherol transfer protein; minus strand). Cytogenetic location: 8q12.3.
Variant type: Deletion.
Coding change: c.359-3del on transcript NM_000370.3 (MANE Select); 3 bases into the intron before coding-DNA position 359, one base deleted (T; older notation c.359-3delT).
Molecular consequence: intron variant.
Genome position (GRCh38, 1-based): chr8:63,066,100, A deleted on the plus strand (T on the coding strand, the reverse complement: TTPA is on the minus strand); the first of 8 consecutive A bases (chr8:63,066,100-63,066,107); deleting any one gives the same sequence. VCF-style (leftmost placement, unchanged base first): chr8-63066099-TA-T. GRCh37 (hg19) VCF-style: chr8-63978658-TA-T.
Other names: p.?; c.359-3delT (NM_000370.3).
Identifiers: ClinVar variation 92872 (VCV000092872.29), dbSNP rs398123340, ClinGen allele CA146053.